The following is an entry in ClinVar:

ClinVar aggregate classification (germline): Pathogenic (1 of 4 stars; one submission).

Conditions:
Inborn genetic diseases. Identifiers: MedGen C0950123, MeSH D030342.

Submission:

Ambry Genetics
Classification: Pathogenic for Inborn genetic diseases. Last evaluated: 2026-01-05. Review status: criteria provided, single submitter. Criteria: Ambry Variant Classification Scheme 2023. Collection method: clinical testing. Allele origin: germline.
Comment: The c.1229delT pathogenic mutation, located in coding exon 4 of the MBD4 gene, results from a deletion of one nucleotide at nucleotide position 1229, causing a translational frameshift with a predicted alternate stop codon (p.L410Rfs*75). This alteration is expected to result in loss of function by premature protein truncation or nonsense-mediated mRNA decay. As such, this alteration is interpreted as a disease-causing mutation.

NM_001276270.2(MBD4):c.1229del (p.Leu410fs)

Gene: MBD4 (methyl-CpG binding domain 4, DNA glycosylase; minus strand). Cytogenetic location: 3q21.3.
Variant type: Deletion.
Coding change: c.1229del on transcript NM_001276270.2 (MANE Select); coding-DNA position 1229, one base deleted (T; older notation c.1229delT).
Protein change: p.Leu410fs; shifts the reading frame from leucine 410.
Molecular consequence: frameshift variant.
Genome position (GRCh38, 1-based): chr3:129,434,091, A deleted on the plus strand (T on the coding strand, the reverse complement: MBD4 is on the minus strand). VCF-style (leftmost placement, unchanged base first): chr3-129434090-CA-C. GRCh37 (hg19) VCF-style: chr3-129152933-CA-C.
Other names: c.1247del, p.Leu416fs (NM_001276271.2, NM_001276272.2, NM_003925.3); c.293del, p.Leu98fs (NM_001276273.2); c.1229delT (NM_001276270.2); short protein forms L410fs, L416fs, L98fs.
Identifiers: ClinVar variation 4844108 (VCV004844108.1).